The following is an entry in ClinVar:

ClinVar aggregate classification (germline): Uncertain significance. Review status: criteria provided, multiple submitters, no conflicts (2 of 4 stars). 2 submissions from 2 submitters: Uncertain significance (2). Last evaluated 2024-05-09.

Conditions:
Severe combined immunodeficiency due to DNA-PKcs deficiency. Also called: IMMUNODEFICIENCY 26 WITH NEUROLOGIC ABNORMALITIES; Immunodeficiency 26 with or without neurologic abnormalities. Identifiers: Orphanet 317425, MedGen C4014833, MONDO:0014423, OMIM 615966.

Allele frequency attached by ClinVar (database versions not stated): ExAC 0.00002; gnomAD exomes 0.00002 and 0.00004; TOPMed 0.00002; gnomAD 0.00004; ESP Exome Variant Server 0.00016.
gnomAD v4.1: 65 of 1,613,668 alleles (0.004%); highest among the groups gnomAD compares: East Asian, 0.0067%; no homozygotes.

Submissions (2):

Blueprint Genetics
Classification: Uncertain significance. Last evaluated: 2024-05-09. Review status: criteria provided, single submitter. Criteria: ACMG Guidelines, 2015. Collection method: clinical testing. Allele origin: germline.

Labcorp Genetics (formerly Invitae), Labcorp
Classification: Uncertain significance for Severe combined immunodeficiency due to DNA-PKcs deficiency. Last evaluated: 2022-05-28. Review status: criteria provided, single submitter. Criteria: Invitae Variant Classification Sherloc (09022015). Collection method: clinical testing. Allele origin: germline.
Comment: This sequence change replaces threonine, which is neutral and polar, with methionine, which is neutral and non-polar, at codon 2098 of the PRKDC protein (p.Thr2098Met). This variant is present in population databases (rs200868218, gnomAD 0.006%). This variant has not been reported in the literature in individuals affected with PRKDC-related conditions. ClinVar contains an entry for this variant (Variation ID: 1428949). Experimental studies and prediction algorithms are not available or were not evaluated, and the functional significance of this variant is currently unknown. In summary, the available evidence is currently insufficient to determine the role of this variant in disease. Therefore, it has been classified as a Variant of Uncertain Significance.

NM_006904.7(PRKDC):c.6293C>T (p.Thr2098Met)

Gene: PRKDC (protein kinase, DNA-activated, catalytic subunit; minus strand). Cytogenetic location: 8q11.21.
Variant type: single nucleotide variant.
Coding change: c.6293C>T on transcript NM_006904.7 (MANE Select); coding-DNA position 6293, C replaced by T.
Protein change: p.Thr2098Met; replaces threonine 2098 with methionine.
Molecular consequence: missense variant.
Genome position (GRCh38, 1-based): chr8:47,858,901, G>A on the plus strand (C>T on the coding strand, the complement: PRKDC is on the minus strand). VCF-style: chr8-47858901-G-A. GRCh37 (hg19) VCF-style: chr8-48771462-G-A.
Other names: c.6293C>T, p.Thr2098Met (NM_001081640.2); short protein forms T2098M.
Identifiers: ClinVar variation 1428949 (VCV001428949.4), dbSNP rs200868218, ClinGen allele CA4740396.